The following is an entry in ClinVar:

NM_130837.3(OPA1):c.2228C>G (p.Pro743Arg)

Gene: OPA1 (OPA1 mitochondrial dynamin like GTPase; plus strand). Cytogenetic location: 3q29.
Variant type: single nucleotide variant.
Coding change: c.2228C>G on transcript NM_130837.3 (MANE Select); coding-DNA position 2228, C replaced by G.
Protein change: p.Pro743Arg; replaces proline 743 with arginine.
Molecular consequence: missense variant.
Genome position (GRCh38, 1-based): chr3:193,657,129, C>G. VCF-style: chr3-193657129-C-G. GRCh37 (hg19) VCF-style: chr3-193374918-C-G.
Other names: c.1694C>G, p.Pro565Arg (NM_001354663.2); c.1691C>G, p.Pro564Arg (NM_001354664.2); c.2063C>G, p.Pro688Arg (NM_015560.3); c.1955C>G, p.Pro652Arg (NM_130831.3); c.2009C>G, p.Pro670Arg (NM_130832.3); c.2066C>G, p.Pro689Arg (NM_130833.3); c.2117C>G, p.Pro706Arg (NM_130834.3); c.2120C>G, p.Pro707Arg (NM_130835.3); and 1 more; short protein forms P652R, P564R, P688R, P743R, P565R, P670R, P689R, P706R.
Identifiers: ClinVar variation 1513552 (VCV001513552.6), dbSNP rs746579947, ClinGen allele CA355791464.

ClinVar aggregate classification (germline): Uncertain significance (1 of 4 stars; one submission).

gnomAD v4.1: 2 of 1,613,564 alleles (0.00012%); highest among the groups gnomAD compares: Non-Finnish European, 0.00017%; no homozygotes.

Submission:

Labcorp Genetics (formerly Invitae), Labcorp
Classification: Uncertain significance. Last evaluated: 2022-08-10. Review status: criteria provided, single submitter. Criteria: Invitae Variant Classification Sherloc (09022015). Collection method: clinical testing. Allele origin: germline.
Comment: This variant has not been reported in the literature in individuals affected with OPA1-related conditions. In summary, the available evidence is currently insufficient to determine the role of this variant in disease. Therefore, it has been classified as a Variant of Uncertain Significance. Advanced modeling of protein sequence and biophysical properties (such as structural, functional, and spatial information, amino acid conservation, physicochemical variation, residue mobility, and thermodynamic stability) performed at Invitae indicates that this missense variant is not expected to disrupt OPA1 protein function. ClinVar contains an entry for this variant (Variation ID: 1513552). This variant is present in population databases (no rsID available, gnomAD 0.0009%). This sequence change replaces proline, which is neutral and non-polar, with arginine, which is basic and polar, at codon 688 of the OPA1 protein (p.Pro688Arg).